The following is an entry in ClinVar:

NM_002585.4(PBX1):c.551G>C (p.Arg184Pro)

Gene: PBX1 (PBX homeobox 1; plus strand). Cytogenetic location: 1q23.3.
Variant type: single nucleotide variant.
Coding change: c.551G>C on transcript NM_002585.4 (MANE Select); coding-DNA position 551, G replaced by C.
Protein change: p.Arg184Pro; replaces arginine 184 with proline.
Molecular consequence: missense variant.
Genome position (GRCh38, 1-based): chr1:164,799,739, G>C. VCF-style: chr1-164799739-G-C. GRCh37 (hg19) VCF-style: chr1-164768976-G-C.
Other names: c.551G>C, p.Arg184Pro (NM_001204961.2, NM_001204963.2, NM_001353131.2); c.302G>C, p.Arg101Pro (NM_001353130.1); short protein forms R101P, R184P.
Identifiers: ClinVar variation 4861635 (VCV004861635.1).

ClinVar aggregate classification (germline): Pathogenic (1 of 4 stars; one submission).

Conditions:
Inborn genetic diseases. Identifiers: MedGen C0950123, MeSH D030342.

Submission:

Ambry Genetics
Classification: Pathogenic for Inborn genetic diseases. Last evaluated: 2026-03-17. Review status: criteria provided, single submitter. Criteria: Ambry Variant Classification Scheme 2023. Collection method: clinical testing. Allele origin: germline.
Comment: The c.551G>C (p.R184P) alteration is located in exon 4 (coding exon 4) of the PBX1 gene. This alteration results from a G to C substitution at nucleotide position 551, causing the arginine (R) at amino acid position 184 to be replaced by a proline (P). This variant was not reported in population-based cohorts in the Genome Aggregation Database (gnomAD). This variant was determined to be de novo in at least one individual with features consistent with congenital anomalies of kidney and urinary tract syndrome with or without hearing loss, abnormal ears, or developmental delay (Slavotinek, 2017; Szot, 2018). This missense variant is located in a region that has a low rate of benign missense variation (Lek, 2016; Firth, 2009). An animal model expressing this variant exhibited phenotype(s) consistent with congenital anomalies of kidney and urinary tract syndrome with or without hearing loss, abnormal ears, or developmental delay (Alankarage, 2020). This alteration is predicted to be deleterious by in silico analysis. Based on the available evidence, this alteration is classified as pathogenic.

Literature cited by the submitters: PubMed 29036646; PubMed 29555671; PubMed 31625560; PubMed 33677855.